The following is an entry in ClinVar:

ClinVar aggregate classification (germline): Uncertain significance. Review status: criteria provided, multiple submitters, no conflicts (2 of 4 stars). 2 submissions from 2 submitters: Uncertain significance (2). Last evaluated 2025-11-12.

Conditions:
Nephronophthisis 14 (NPHP14). Identifiers: Orphanet 2318, MedGen C3539071, MONDO:0013916, OMIM 614844.

Allele frequency attached by ClinVar (database versions not stated): TOPMed below 0.00001; ExAC 0.00001; gnomAD 0.00001; gnomAD exomes 0.00001.
gnomAD v4.1: 12 of 1,613,994 alleles (0.00074%); highest among the groups gnomAD compares: Non-Finnish European, 0.001%; no homozygotes.

Submissions (2):

Ambry Genetics
Classification: Uncertain significance. Last evaluated: 2025-11-12. Review status: criteria provided, single submitter. Criteria: Ambry Variant Classification Scheme 2023. Collection method: clinical testing. Allele origin: germline.

Labcorp Genetics (formerly Invitae), Labcorp
Classification: Uncertain significance for Nephronophthisis 14. Last evaluated: 2022-07-05. Review status: criteria provided, single submitter. Criteria: Invitae Variant Classification Sherloc (09022015). Collection method: clinical testing. Allele origin: germline.
Comment: In summary, the available evidence is currently insufficient to determine the role of this variant in disease. Therefore, it has been classified as a Variant of Uncertain Significance. Algorithms developed to predict the effect of missense changes on protein structure and function are either unavailable or do not agree on the potential impact of this missense change (SIFT: "Tolerated"; PolyPhen-2: "Probably Damaging"; Align-GVGD: "Class C0"). This sequence change replaces glutamic acid, which is acidic and polar, with lysine, which is basic and polar, at codon 129 of the ZNF423 protein (p.Glu129Lys). This variant is present in population databases (rs747342689, gnomAD 0.002%). This variant has not been reported in the literature in individuals affected with ZNF423-related conditions. ClinVar contains an entry for this variant (Variation ID: 1023538).

NM_001379286.1(ZNF423):c.409G>A (p.Glu137Lys)

Gene: ZNF423 (zinc finger protein 423; minus strand). Cytogenetic location: 16q12.1.
Variant type: single nucleotide variant.
Coding change: c.409G>A on transcript NM_001379286.1 (MANE Select); coding-DNA position 409, G replaced by A.
Protein change: p.Glu137Lys; replaces glutamic acid 137 with lysine.
Molecular consequence: missense variant.
Genome position (GRCh38, 1-based): chr16:49,638,767, C>T on the plus strand (G>A on the coding strand, the complement: ZNF423 is on the minus strand). VCF-style: chr16-49638767-C-T. GRCh37 (hg19) VCF-style: chr16-49672678-C-T.
Other names: c.205G>A, p.Glu69Lys (NM_001271620.2); c.34G>A, p.Glu12Lys (NM_001330533.2); c.385G>A, p.Glu129Lys (NM_015069.5); c.385G>A (NM_015069.2); short protein forms E129K, E12K, E137K, E69K.
Identifiers: ClinVar variation 1023538 (VCV001023538.9), dbSNP rs747342689, ClinGen allele CA8046875.